The following is an entry in ClinVar:

NM_177972.3(TUB):c.407G>A (p.Gly136Glu)

Genes: RIC3 (RIC3 acetylcholine receptor chaperone; minus strand), TUB (TUB bipartite transcription factor; plus strand). Cytogenetic location: 11p15.4.
Variant type: single nucleotide variant.
Coding change: c.407G>A on transcript NM_177972.3 (MANE Select); coding-DNA position 407, G replaced by A.
Protein change: p.Gly136Glu; replaces glycine 136 with glutamic acid.
Molecular consequence: missense variant.
Genome position (GRCh38, 1-based): chr11:8,095,507, G>A. VCF-style: chr11-8095507-G-A. GRCh37 (hg19) VCF-style: chr11-8117054-G-A.
Other names: c.572G>A (NM_003320.4); c.572G>A, p.Gly191Glu (NM_003320.5); short protein forms G136E, G191E.
Identifiers: ClinVar variation 1989593 (VCV001989593.9), dbSNP rs147246689, ClinGen allele CA5871096.
Genomic context (GRCh38, chr11:8,095,507, plus strand): 5'-GCCCTCCTCTCCTCCTCCTGGATGTAACTCAGGCGTGTCCGTGGCCTGCAGGCACCAGCG[G>A]GCCAGCAGCACTGGCAGAAGACAAGTCTGAGGCCCAAGGCCCAGTGCAGATTCTGACTGT-3'
Protein context (NP_813977.1, residues 126-146): EKKGKHKGTS[Gly136Glu]PAALAEDKSE

ClinVar aggregate classification (germline): Uncertain significance. Review status: criteria provided, multiple submitters, no conflicts (2 of 4 stars). 4 submissions from 4 submitters: Uncertain significance (3). 1 of the submissions does not count toward it. Last evaluated 2025-08-25.

Conditions:
Retinal dystrophy. Also called: Inherited retinal dystrophy. Identifiers: Orphanet 71862, MedGen C0854723, MeSH D058499, MONDO:0019118, HP:0000556.

Allele frequency attached by ClinVar (database versions not stated): gnomAD 0.00001; TOPMed 0.00001; ExAC 0.00002; gnomAD exomes 0.00002; ESP Exome Variant Server 0.00008; 1000 Genomes Project 30x 0.00016; 1000 Genomes Project 0.00020.
gnomAD v4.1: 25 of 1,609,792 alleles (0.0016%); highest among the groups gnomAD compares: Non-Finnish European, 0.0021%; no homozygotes.

Submissions (4):

Ambry Genetics
Classification: Uncertain significance. Last evaluated: 2025-08-25. Review status: criteria provided, single submitter. Criteria: Ambry Variant Classification Scheme 2023. Collection method: clinical testing. Allele origin: germline.

Blueprint Genetics
Classification: Uncertain significance. Last evaluated: 2024-06-27. Review status: criteria provided, single submitter. Criteria: ACMG Guidelines, 2015. Collection method: clinical testing. Allele origin: germline.

Labcorp Genetics (formerly Invitae), Labcorp
Classification: Uncertain significance. Last evaluated: 2022-02-24. Review status: criteria provided, single submitter. Criteria: Invitae Variant Classification Sherloc (09022015). Collection method: clinical testing. Allele origin: germline.
Comment: Algorithms developed to predict the effect of missense changes on protein structure and function are either unavailable or do not agree on the potential impact of this missense change (SIFT: "Tolerated"; PolyPhen-2: "Possibly Damaging"; Align-GVGD: "Class C0"). This variant has not been reported in the literature in individuals affected with TUB-related conditions. This variant is present in population databases (rs147246689, gnomAD 0.005%). This sequence change replaces glycine, which is neutral and non-polar, with glutamic acid, which is acidic and polar, at codon 191 of the TUB protein (p.Gly191Glu). In summary, the available evidence is currently insufficient to determine the role of this variant in disease. Therefore, it has been classified as a Variant of Uncertain Significance.

Institute of Human Genetics, Univ. Regensburg, Univ. Regensburg
Classification: Uncertain significance for Retinal dystrophy. Last evaluated: 2022-01-01. Review status: no assertion criteria provided. Criteria: ACMG Guidelines, 2015. Collection method: clinical testing. Allele origin: germline. Affected: yes. Not counted in ClinVar's aggregate classification.